The following is an entry in ClinVar:

Conditions:
Long QT syndrome 5 (LQT5). Identifiers: Orphanet 101016, Orphanet 768, MedGen C1867904, MONDO:0013372, OMIM 613695.

Submission:

Roden Lab, Vanderbilt University Medical Center
No classification provided (evidence only). Condition: Long QT syndrome 5. Review status: no classification provided. Collection method: in vitro. Allele origin: not applicable. Functional consequence: Effect on ion channel function.
ClinVar note: "not provided" was previously submitted as the classification for the variant. However, the classification appeared to be based only on an observation of functional data so it was converted to no classification on 2025-07-30.

NM_000219.6(KCNE1):c.59C>G (p.Thr20Arg)

Gene: KCNE1 (potassium voltage-gated channel subfamily E regulatory subunit 1; minus strand). Cytogenetic location: 21q22.12.
Variant type: single nucleotide variant.
Coding change: c.59C>G on transcript NM_000219.6 (MANE Select); coding-DNA position 59, C replaced by G.
Protein change: p.Thr20Arg; replaces threonine 20 with arginine.
Molecular consequence: missense variant.
Genome position (GRCh38, 1-based): chr21:34,449,576, G>C on the plus strand (C>G on the coding strand, the complement: KCNE1 is on the minus strand). VCF-style: chr21-34449576-G-C. GRCh37 (hg19) VCF-style: chr21-35821874-G-C.
Other names: c.59C>G, p.Thr20Arg (NM_001127668.4, NM_001127669.4, NM_001127670.4 and 4 more transcripts); short protein forms T20R.
Identifiers: ClinVar variation 3373935 (VCV003373935.2).